The following is an entry in ClinVar:

NM_004360.5(CDH1):c.164-6907_387+2812del

Gene: CDH1 (cadherin 1; plus strand). Cytogenetic location: 16q22.1.
Variant type: Deletion.
Coding change: c.164-6907_387+2812del on transcript NM_004360.5 (MANE Select); 6907 bases into the intron before coding-DNA position 164 through 2812 bases into the intron after coding-DNA position 387, 9,943 bases deleted.
Molecular consequence: splice acceptor variant, splice donor variant.
Genome position (GRCh38, 1-based): chr16:68,794,763-68,804,705, 9,943 bases deleted. GRCh37 (hg19): chr16:68,828,666-68,838,608.
Other names: c.-1452-6907_-1229+2812del (NM_001317185.2); c.-1656-6907_-1433+2812del (NM_001317186.2); c.164-6907_387+2812del (NM_001317184.2).
Identifiers: ClinVar variation 5038424 (VCV005038424.1).

ClinVar aggregate classification (germline): Pathogenic (1 of 4 stars; one submission).

Conditions:
Hereditary diffuse gastric adenocarcinoma (HDGC). Also called: DIFFUSE GASTRIC AND LOBULAR BREAST CANCER SYNDROME. Identifiers: Orphanet 26106, MedGen C1708349, MONDO:0007648, OMIM 137215.

Submission:

St. Jude Molecular Pathology, St. Jude Children's Research Hospital
Classification: Pathogenic for Hereditary diffuse gastric adenocarcinoma. Last evaluated: 2026-10-01. Review status: criteria provided, single submitter. Criteria: St. Jude Assertion Criteria 2020. Collection method: clinical testing. Allele origin: germline.
Comment: The CDH1 c.164-6907_387+2812del variant is a gross deletion encompassing exon 3 of the CDH1 gene, with the 5Ã¢ € ™ breakpoint likely within intron 2 and the 3Ã¢ € ™ breakpoint within intron 3.This deletion is expected to result in an absent or disrupte d protein product. The probandÃ¢ € ™s mother carried the deletion but remained unaffected, suggesting variable penetrance. Functional studies confirmed impaired cell adhesion, and immunohistochemical analysis showed loss of E-cadherin expression in tumor samples (PMID: 217 77349). Loss-of-function variants in CDH1 are known to be pathogenic (PMID: 15235021, 20373070). In summary, this variant meets criteria to be classified as pathogenic.